The following is an entry in ClinVar:

ClinVar aggregate classification (germline): Likely pathogenic (1 of 4 stars; one submission).

Conditions:
Dilated cardiomyopathy 1G (CMD1G). Identifiers: Orphanet 154, MedGen C1858763, MONDO:0011400, OMIM 604145.
Autosomal recessive limb-girdle muscular dystrophy type 2J (LGMDR10). Also called: MUSCULAR DYSTROPHY, LIMB-GIRDLE, AUTOSOMAL RECESSIVE 10; Limb-girdle muscular dystrophy, type 2J. Identifiers: Orphanet 140922, MedGen C1837342, MONDO:0012127, OMIM 608807.

Submission:

Labcorp Genetics (formerly Invitae), Labcorp
Classification: Likely pathogenic for Dilated cardiomyopathy 1G; Autosomal recessive limb-girdle muscular dystrophy type 2J. Last evaluated: 2024-10-18. Review status: criteria provided, single submitter. Criteria: Invitae Variant Classification Sherloc (09022015). Collection method: clinical testing. Allele origin: germline.
Comment: This sequence change creates a premature translational stop signal (p.Lys9691Glufs*34) in the TTN gene. While this is not anticipated to result in nonsense mediated decay, it is expected to create a truncated TTN protein. This variant is not present in population databases (gnomAD no frequency). This variant has not been reported in the literature in individuals affected with TTN-related conditions. This variant is located in the I band of TTN (PMID: 25589632). Truncating variants in this region have been reported in individuals affected with autosomal recessive centronuclear myopathy (PMID: 23975875, internal data). Truncating variants in this region have also been identified in individuals affected with autosomal dominant dilated cardiomyopathy and/or cardio-related conditions (PMID: 27869827, 32964742, internal data). In summary, the currently available evidence indicates that the variant is pathogenic, but additional data are needed to prove that conclusively. Therefore, this variant has been classified as Likely Pathogenic.

Literature cited by the submitters: PubMed 25589632; PubMed 23975875; PubMed 27869827; PubMed 32964742.

NM_001267550.2(TTN):c.29070dup (p.Lys9691fs)

Gene: TTN (titin; minus strand). Cytogenetic location: 2q31.2.
Variant type: Duplication.
Coding change: c.29070dup on transcript NM_001267550.2 (MANE Select); coding-DNA position 29070, one base duplicated (G; older notation c.29070dupG).
Protein change: p.Lys9691fs; shifts the reading frame from lysine 9691.
Molecular consequence: frameshift variant. On other transcripts: intron variant (3).
Genome position (GRCh38, 1-based): chr2:178,706,926, C duplicated on the plus strand (G on the coding strand, the reverse complement: TTN is on the minus strand). VCF-style (leftmost placement, unchanged base first): chr2-178706925-T-TC. GRCh37 (hg19) VCF-style: chr2-179571652-T-TC.
Other names: c.28119dup, p.Lys9374fs (NM_001256850.1); c.25338dup, p.Lys8447fs (NM_133378.4); c.13282+31156dup (NM_003319.4); c.13858+31156dup (NM_133437.4); c.13657+31156dup (NM_133432.3); short protein forms K9691fs, K9374fs, K8447fs.
Identifiers: ClinVar variation 2944158 (VCV002944158.3), dbSNP rs2475402026, ClinGen allele CA2740096243.
Genomic context (GRCh38, chr2:178,706,925, plus strand): 5'-CTACGACTCTGATACTCTGAGGTTCTGACACAAAAAAGAGTCTTCCATCTACCGCAGCTT[T>TC]CTTGGTTGCTGGGGCCACAGCTGGTTTGTCTGAAAAAACATTTACATGTTTTGTTACTAC-3'